The following is an entry in ClinVar:

NM_054012.4(ASS1):c.844_850del (p.Tyr282fs)

Gene: ASS1 (argininosuccinate synthase 1; plus strand). Cytogenetic location: 9q34.11.
Variant type: Deletion.
Coding change: c.844_850del on transcript NM_054012.4 (MANE Select); coding-DNA positions 844 to 850, 7 bases deleted (TACGAGA; older notation c.844_850delTACGAGA).
Protein change: p.Tyr282fs; shifts the reading frame from tyrosine 282.
Molecular consequence: frameshift variant.
Genome position (GRCh38, 1-based): chr9:130,489,338-130,489,344, TACGAGA deleted. VCF-style (leftmost placement, unchanged base first): chr9-130489337-CTACGAGA-C. GRCh37 (hg19) VCF-style: chr9-133364724-CTACGAGA-C.
Other names: c.844_850del, p.Tyr282fs (NM_000050.4); short protein forms Y282fs.
Identifiers: ClinVar variation 1724653 (VCV001724653.2), dbSNP rs2490610438, ClinGen allele CA2580079839.

ClinVar aggregate classification (germline): Likely pathogenic (1 of 4 stars; one submission).

Conditions:
Citrullinemia type I (CTNL1). Also called: ASS DEFICIENCY; argininosuccinate synthetase deficiency. Identifiers: Orphanet 247525, MedGen C4721769, MONDO:0008988, OMIM 215700.

Submission:

Myriad Genetics, Inc.
Classification: Likely pathogenic for Citrullinemia type I. Last evaluated: 2022-02-24. Review status: criteria provided, single submitter. Criteria: Myriad Women's Health Autosomal Recessive and X-Linked Classification Criteria (2021). Collection method: clinical testing. Allele origin: unknown.
Comment: NM_000050.4(ASS1):c.844_850del7(Y282Pfs*12) is expected to be pathogenic in the context of citrullinemia type 1. This variant is predicted to lead to an abnormal or absent protein product due to the creation of a premature termination codon in ASS1, a gene where loss-of-function variants are known to be pathogenic. Please note: this variant was assessed in the context of healthy population screening.